The following is an entry in ClinVar:

ClinVar aggregate classification (germline): Conflicting classifications of pathogenicity. Review status: criteria provided, conflicting classifications (1 of 4 stars). 5 submissions from 5 submitters: Uncertain significance (3); Likely benign (1). 1 of the submissions does not count toward it. Last evaluated 2026-01-11.

Conditions:
DNAH5-related disorder. Also called: DNAH5-related condition.
Primary ciliary dyskinesia. Also called: Ciliary dyskinesia. Identifiers: Orphanet 244, MedGen C0008780, MONDO:0016575, HP:0012265.

Allele frequency attached by ClinVar (database versions not stated): gnomAD exomes 0.00010 and 0.00011; ExAC 0.00012; TOPMed 0.00013; gnomAD 0.00014; ESP Exome Variant Server 0.00038.
gnomAD v4.1: 178 of 1,613,952 alleles (0.011%); highest among the groups gnomAD compares: Middle Eastern, 0.016%; 1 homozygote.

Submissions (5):

Labcorp Genetics (formerly Invitae), Labcorp
Classification: Likely benign for Primary ciliary dyskinesia. Last evaluated: 2026-01-11. Review status: criteria provided, single submitter. Criteria: Invitae Variant Classification Sherloc (09022015). Collection method: clinical testing. Allele origin: germline.

PreventionGenetics, part of Exact Sciences
Classification: Uncertain significance for DNAH5-related condition. Last evaluated: 2025-01-22. Review status: criteria provided, single submitter. Criteria: ACMG Guidelines, 2015. Collection method: clinical testing. Allele origin: germline.
Comment: The DNAH5 c.6748G>A variant is predicted to result in the amino acid substitution p.Glu2250Lys. To our knowledge, this variant has not been reported in the literature. This variant is reported in 0.017% of alleles in individuals of European (Non-Finnish) descent in gnomAD. At this time, the clinical significance of this variant is uncertain due to the absence of conclusive functional and genetic evidence.

Blueprint Genetics
Classification: Uncertain significance. Last evaluated: 2024-08-29. Review status: criteria provided, single submitter. Criteria: ACMG Guidelines, 2015. Collection method: clinical testing. Allele origin: germline.

Breakthrough Genomics
Classification: Uncertain significance. Review status: criteria provided, single submitter. Criteria: ACMG Guidelines, 2015. Collection method: not provided. Allele origin: germline. Inheritance: Autosomal recessive inheritance. Affected: yes.

Natera, Inc.
Classification: Uncertain significance for Primary ciliary dyskinesia. Last evaluated: 2020-02-21. Review status: no assertion criteria provided. Collection method: clinical testing. Allele origin: germline. Not counted in ClinVar's aggregate classification.

NM_001369.3(DNAH5):c.6748G>A (p.Glu2250Lys)

Gene: DNAH5 (dynein axonemal heavy chain 5; minus strand). Cytogenetic location: 5p15.2.
Variant type: single nucleotide variant.
Coding change: c.6748G>A on transcript NM_001369.3 (MANE Select); coding-DNA position 6748, G replaced by A.
Protein change: p.Glu2250Lys; replaces glutamic acid 2250 with lysine.
Molecular consequence: missense variant.
Genome position (GRCh38, 1-based): chr5:13,820,439, C>T on the plus strand (G>A on the coding strand, the complement: DNAH5 is on the minus strand). VCF-style: chr5-13820439-C-T. GRCh37 (hg19) VCF-style: chr5-13820548-C-T.
Other names: short protein forms E2250K.
Identifiers: ClinVar variation 407221 (VCV000407221.15), dbSNP rs201285946, ClinGen allele CA3203289.